The following is an entry in ClinVar:

ClinVar aggregate classification (germline): Uncertain significance. Review status: criteria provided, multiple submitters, no conflicts (2 of 4 stars). 2 submissions from 2 submitters: Uncertain significance (2). Last evaluated 2025-05-21.

Allele frequency attached by ClinVar (database versions not stated): TOPMed below 0.00001.

Submissions (2):

Labcorp Genetics (formerly Invitae), Labcorp
Classification: Uncertain significance. Last evaluated: 2025-05-21. Review status: criteria provided, single submitter. Criteria: Invitae Variant Classification Sherloc (09022015). Collection method: clinical testing. Allele origin: germline.
Comment: This sequence change replaces proline, which is neutral and non-polar, with leucine, which is neutral and non-polar, at codon 509 of the SLC7A14 protein (p.Pro509Leu). This variant is not present in population databases (gnomAD no frequency). This variant has not been reported in the literature in individuals affected with SLC7A14-related conditions. ClinVar contains an entry for this variant (Variation ID: 3165541). An algorithm developed to predict the effect of missense changes on protein structure and function (PolyPhen-2) suggests that this variant is likely to be tolerated. In summary, the available evidence is currently insufficient to determine the role of this variant in disease. Therefore, it has been classified as a Variant of Uncertain Significance.

Ambry Genetics
Classification: Uncertain significance. Last evaluated: 2023-10-03. Review status: criteria provided, single submitter. Criteria: Ambry Variant Classification Scheme 2023. Collection method: clinical testing. Allele origin: germline.

NM_020949.3(SLC7A14):c.1526C>T (p.Pro509Leu)

Genes: SLC7A14 (solute carrier family 7 member 14; minus strand), SLC7A14-AS1 (SLC7A14 antisense RNA 1; plus strand). Cytogenetic location: 3q26.2.
Variant type: single nucleotide variant.
Coding change: c.1526C>T on transcript NM_020949.3 (MANE Select); coding-DNA position 1526, C replaced by T.
Protein change: p.Pro509Leu; replaces proline 509 with leucine.
Molecular consequence: missense variant.
Genome position (GRCh38, 1-based): chr3:170,480,756, G>A on the plus strand (C>T on the coding strand, the complement: SLC7A14 is on the minus strand). VCF-style: chr3-170480756-G-A. GRCh37 (hg19) VCF-style: chr3-170198545-G-A.
Other names: short protein forms P509L.
Identifiers: ClinVar variation 3165541 (VCV003165541.2), dbSNP rs1248177743, ClinGen allele CA355490059.